The following is an entry in ClinVar:

ClinVar aggregate classification (germline): Uncertain significance. Review status: criteria provided, multiple submitters, no conflicts (2 of 4 stars). 5 submissions from 5 submitters: Uncertain significance (5). Last evaluated 2025-08-20.

Conditions:
Neurofibromatosis, type 2 (SWNV). Also called: BILATERAL ACOUSTIC NEUROFIBROMATOSIS; SCHWANNOMATOSIS, VESTIBULAR; NF2-Related Schwannomatosis. Identifiers: Orphanet 637, MedGen C0027832, MONDO:0007039, OMIM 101000. Disease mechanism: loss of function.
Hereditary cancer-predisposing syndrome. Also called: Tumor predisposition; Hereditary Cancer Syndrome; Hereditary neoplastic syndrome; Neoplastic Syndromes, Hereditary. Identifiers: Orphanet 140162, MedGen C0027672, MeSH D009386, MONDO:0015356.
Familial meningioma. Also called: Meningioma, familial, susceptibility to. Identifiers: Orphanet 263662, MedGen C3551915, MONDO:0011789, OMIM 607174.

Allele frequency attached by ClinVar (database versions not stated): TOPMed 0.00002.
gnomAD v4.1: 2 of 1,613,964 alleles (0.00012%); highest among the groups gnomAD compares: East Asian, 0.0045%; no homozygotes.

Submissions (5):

Labcorp Genetics (formerly Invitae), Labcorp
Classification: Uncertain significance for Neurofibromatosis, type 2. Last evaluated: 2025-08-20. Review status: criteria provided, single submitter. Criteria: Invitae Variant Classification Sherloc (09022015). Collection method: clinical testing. Allele origin: germline.
Comment: This sequence change replaces isoleucine, which is neutral and non-polar, with leucine, which is neutral and non-polar, at codon 487 of the NF2 protein (p.Ile487Leu). This variant is not present in population databases (gnomAD no frequency). This variant has not been reported in the literature in individuals affected with NF2-related conditions. ClinVar contains an entry for this variant (Variation ID: 819269). Invitae Evidence Modeling of protein sequence and biophysical properties (such as structural, functional, and spatial information, amino acid conservation, physicochemical variation, residue mobility, and thermodynamic stability) indicates that this missense variant is not expected to disrupt NF2 protein function with a negative predictive value of 80%. In summary, the available evidence is currently insufficient to determine the role of this variant in disease. Therefore, it has been classified as a Variant of Uncertain Significance.

Fulgent Genetics
Classification: Uncertain significance for Neurofibromatosis, type 2; Familial meningioma. Last evaluated: 2024-06-04. Review status: criteria provided, single submitter. Criteria: ACMG Guidelines, 2015. Collection method: clinical testing. Allele origin: germline.

All of Us Research Program, National Institutes of Health
Classification: Uncertain significance for Neurofibromatosis, type 2. Last evaluated: 2023-11-30. Review status: criteria provided, single submitter. Criteria: ACMG Guidelines, 2015. Collection method: clinical testing. Allele origin: germline. Inheritance: Autosomal dominant inheritance. Observed: 1 variant allele, 1 heterozygote.
Comment: This study involves interpretation of variants in research participants for the purpose of population health screening. Participant phenotype was not available at the time of variant classification. Additional details can be found in publication PMID: 35346344, PMCID: PMC8962531

Ambry Genetics
Classification: Uncertain significance for Hereditary cancer-predisposing syndrome. Last evaluated: 2023-10-23. Review status: criteria provided, single submitter. Criteria: Ambry Variant Classification Scheme 2023. Collection method: clinical testing. Allele origin: germline.
Comment: The p.I487L variant (also known as c.1459A>C), located in coding exon 14 of the NF2 gene, results from an A to C substitution at nucleotide position 1459. The isoleucine at codon 487 is replaced by leucine, an amino acid with highly similar properties. This amino acid position is not well conserved in available vertebrate species. In addition, this alteration is predicted to be tolerated by in silico analysis. Since supporting evidence is limited at this time, the clinical significance of this alteration remains unclear.

Genome-Nilou Lab
Classification: Uncertain significance for Neurofibromatosis, type 2. Last evaluated: 2021-11-07. Review status: criteria provided, single submitter. Criteria: ACMG Guidelines, 2015. Collection method: clinical testing. Allele origin: germline. Affected: no.

NM_000268.4(NF2):c.1459A>C (p.Ile487Leu)

Gene: NF2 (NF2, moesin-ezrin-radixin like (MERLIN) tumor suppressor; plus strand). Cytogenetic location: 22q12.2.
Variant type: single nucleotide variant.
Coding change: c.1459A>C on transcript NM_000268.4 (MANE Select); coding-DNA position 1459, A replaced by C.
Protein change: p.Ile487Leu; replaces isoleucine 487 with leucine.
Molecular consequence: missense variant. On other transcripts: non-coding transcript variant (1), intron variant (1).
Genome position (GRCh38, 1-based): chr22:29,678,208, A>C. VCF-style: chr22-29678208-A-C. GRCh37 (hg19) VCF-style: chr22-30074197-A-C.
Other names: c.1459A>C, p.Ile487Leu (NM_016418.5, NM_181825.3, NM_181832.3); c.1333A>C, p.Ile445Leu (NM_181828.3); c.1336A>C, p.Ile446Leu (NM_181829.3); c.1210A>C, p.Ile404Leu (NM_181830.3, NM_181831.3); c.448-16544A>C (NM_181833.3); short protein forms I404L, I445L, I446L, I487L.
Identifiers: ClinVar variation 819269 (VCV000819269.18), dbSNP rs147506929, ClinGen allele CA411149561.